The following is an entry in ClinVar:

NM_003873.7(NRP1):c.431-7C>T

Genes: NRP1 (neuropilin 1; minus strand), LOC126860910 (P300/CBP strongly-dependent group 1 enhancer GRCh37_chr10:33552654-33553853; plus strand). Cytogenetic location: 10p11.22.
Variant type: single nucleotide variant.
Coding change: c.431-7C>T on transcript NM_003873.7 (MANE Select); 7 bases into the intron before coding-DNA position 431, C replaced by T.
Molecular consequence: intron variant.
Genome position (GRCh38, 1-based): chr10:33,263,880, G>A on the plus strand (C>T on the coding strand, the complement: NRP1 is on the minus strand). VCF-style: chr10-33263880-G-A. GRCh37 (hg19) VCF-style: chr10-33552808-G-A.
Other names: c.431-7C>T (NM_001244973.2, NM_001244972.2, NM_001330068.2 and 2 more transcripts).
Identifiers: ClinVar variation 4979701 (VCV004979701.1).

ClinVar aggregate classification (germline): Likely benign (1 of 4 stars; one submission).

Conditions:
NRP1-related disorder. Also called: NRP1-related condition.

gnomAD v4.1: 20 of 1,566,564 alleles (0.0013%); highest among the groups gnomAD compares: East Asian, 0.025%; no homozygotes.

Submission:

PreventionGenetics, part of Exact Sciences
Classification: Likely benign for NRP1-related condition. Last evaluated: 2025-03-04. Review status: criteria provided, single submitter. Criteria: ACMG Guidelines, 2015. Collection method: clinical testing. Allele origin: germline.
Comment: This variant is classified as likely benign based on ACMG/AMP sequence variant interpretation guidelines (Richards et al. 2015 PMID: 25741868, with internal and published modifications).